The following is an entry in ClinVar:

ClinVar aggregate classification (germline): Uncertain significance (1 of 4 stars; one submission).

Allele frequency attached by ClinVar (database versions not stated): ExAC 0.00001.

Submission:

Labcorp Genetics (formerly Invitae), Labcorp
Classification: Uncertain significance. Last evaluated: 2023-09-08. Review status: criteria provided, single submitter. Criteria: Invitae Variant Classification Sherloc (09022015). Collection method: clinical testing. Allele origin: germline.
Comment: This sequence change replaces threonine, which is neutral and polar, with isoleucine, which is neutral and non-polar, at codon 927 of the ARHGEF1 protein (p.Thr927Ile). This variant is not present in population databases (gnomAD no frequency). This variant has not been reported in the literature in individuals affected with ARHGEF1-related conditions. An algorithm developed to predict the effect of missense changes on protein structure and function (PolyPhen-2) suggests that this variant is likely to be disruptive. In summary, the available evidence is currently insufficient to determine the role of this variant in disease. Therefore, it has been classified as a Variant of Uncertain Significance.

NM_004706.4(ARHGEF1):c.2735C>T (p.Thr912Ile)

Gene: ARHGEF1 (Rho guanine nucleotide exchange factor 1; plus strand). Cytogenetic location: 19q13.2.
Variant type: single nucleotide variant.
Coding change: c.2735C>T on transcript NM_004706.4 (MANE Select); coding-DNA position 2735, C replaced by T.
Protein change: p.Thr912Ile; replaces threonine 912 with isoleucine.
Molecular consequence: missense variant. On other transcripts: synonymous variant (4), non-coding transcript variant (2).
Genome position (GRCh38, 1-based): chr19:41,906,782, C>T. VCF-style: chr19-41906782-C-T. GRCh37 (hg19) VCF-style: chr19-42410934-C-T.
Other names: c.2903C>T, p.Thr968Ile (NM_001396000.1); c.2472C>T, p.His824= (NM_001396002.1, NM_001396004.1); c.2571C>T, p.His857= (NM_001396003.1, NM_001396006.1); c.2636C>T, p.Thr879Ile (NM_198977.2); c.2780C>T, p.Thr927Ile (NM_199002.2); short protein forms T879I, T912I, T927I, T968I.
Identifiers: ClinVar variation 2758918 (VCV002758918.3), dbSNP rs782143136, ClinGen allele CA9466828.